The following is an entry in ClinVar:

ClinVar aggregate classification (germline): Uncertain significance. Review status: criteria provided, multiple submitters, no conflicts (2 of 4 stars). 3 submissions from 3 submitters: Uncertain significance (3). Last evaluated 2024-04-29.

Conditions:
Hereditary cancer-predisposing syndrome. Also called: Hereditary Cancer Syndrome; Hereditary neoplastic syndrome; Neoplastic Syndromes, Hereditary; Tumor predisposition. Identifiers: Orphanet 140162, MedGen C0027672, MeSH D009386, MONDO:0015356.
Ataxia-telangiectasia syndrome (AT). Also called: Ataxia-telangiectasia, complementation group E; LOUIS-BAR SYNDROME; Cerebello-oculocutaneous telangiectasia; Immunodeficiency with ataxia telangiectasia; Ataxia-telangiectasia, complementation group D; AT, COMPLEMENTATION GROUP C. Identifiers: Orphanet 100, MedGen C0004135, MONDO:0008840, OMIM 208900.

Submissions (3):

Labcorp Genetics (formerly Invitae), Labcorp
Classification: Uncertain significance for Ataxia-telangiectasia syndrome. Last evaluated: 2024-04-29. Review status: criteria provided, single submitter. Criteria: Invitae Variant Classification Sherloc (09022015). Collection method: clinical testing. Allele origin: germline.
Comment: This sequence change replaces isoleucine, which is neutral and non-polar, with methionine, which is neutral and non-polar, at codon 1473 of the ATM protein (p.Ile1473Met). This variant is not present in population databases (gnomAD no frequency). This variant has not been reported in the literature in individuals affected with ATM-related conditions. ClinVar contains an entry for this variant (Variation ID: 921970). An algorithm developed to predict the effect of missense changes on protein structure and function (PolyPhen-2) suggests that this variant is likely to be disruptive. In summary, the available evidence is currently insufficient to determine the role of this variant in disease. Therefore, it has been classified as a Variant of Uncertain Significance.

Ambry Genetics
Classification: Uncertain significance for Hereditary cancer-predisposing syndrome. Last evaluated: 2023-09-05. Review status: criteria provided, single submitter. Criteria: Ambry Variant Classification Scheme 2023. Collection method: clinical testing. Allele origin: germline.
Comment: The p.I1473M variant (also known as c.4419T>G), located in coding exon 28 of the ATM gene, results from a T to G substitution at nucleotide position 4419. The isoleucine at codon 1473 is replaced by methionine, an amino acid with highly similar properties. This amino acid position is conserved. In addition, this alteration is predicted to be tolerated by in silico analysis. Since supporting evidence is limited at this time, the clinical significance of this alteration remains unclear.

Color Diagnostics, LLC DBA Color Health
Classification: Uncertain significance for Hereditary cancer-predisposing syndrome. Last evaluated: 2020-06-23. Review status: criteria provided, single submitter. Criteria: ACMG Guidelines, 2015. Collection method: clinical testing. Allele origin: germline.
Comment: This missense variant replaces isoleucine with methionine at codon 1473 of the ATM protein. Computational prediction suggests that this variant may not impact protein structure and function (internally defined REVEL score threshold <= 0.5, PMID: 27666373). To our knowledge, functional studies have not been performed for this variant. This variant has not been reported in individuals affected with hereditary cancer in the literature. This variant has not been identified in the general population by the Genome Aggregation Database (gnomAD). The available evidence is insufficient to determine the role of this variant in disease conclusively. Therefore, this variant is classified as a Variant of Uncertain Significance.

NM_000051.4(ATM):c.4419T>G (p.Ile1473Met)

Gene: ATM (ATM serine/threonine kinase; plus strand). Cytogenetic location: 11q22.3.
Variant type: single nucleotide variant.
Coding change: c.4419T>G on transcript NM_000051.4 (MANE Select); coding-DNA position 4419, T replaced by G.
Protein change: p.Ile1473Met; replaces isoleucine 1473 with methionine.
Molecular consequence: missense variant.
Genome position (GRCh38, 1-based): chr11:108,289,784, T>G. VCF-style: chr11-108289784-T-G. GRCh37 (hg19) VCF-style: chr11-108160511-T-G.
Other names: c.4419T>G, p.Ile1473Met (NM_001351834.2); short protein forms I1473M.
Identifiers: ClinVar variation 921970 (VCV000921970.9), dbSNP rs2082685196, ClinGen allele CA382532259.